The following is an entry in ClinVar:

ClinVar aggregate classification (germline): Conflicting classifications of pathogenicity. Review status: criteria provided, conflicting classifications (1 of 4 stars). 7 submissions from 5 submitters: Uncertain significance (3); Likely benign (3). 1 of the submissions does not count toward it. Last evaluated 2026-01-28.

Conditions:
RPGRIP1L-related disorder. Also called: RPGRIP1L-related disorders; RPGRIP1L-related condition. Identifiers: MedGen CN239416.
Joubert syndrome 7 (JBTS7). Identifiers: Orphanet 220497, MedGen C1969053, MONDO:0012694, OMIM 611560.
Joubert syndrome. Also called: Familial aplasia of the vermis; JOUBERT-BOLTSHAUSER SYNDROME. Identifiers: Orphanet 475, MedGen C5979921, MONDO:0018772.
Meckel-Gruber syndrome. Also called: DYSENCEPHALIA SPLANCHNOCYSTICA; GRUBER SYNDROME; Dysencephalia splachnocystica. Identifiers: Orphanet 564, MedGen C0265215, MONDO:0018921.
Nephronophthisis 8. Identifiers: MedGen CN119610.
Meckel syndrome, type 5 (MKS5). Identifiers: Orphanet 564, MedGen C1969052, MONDO:0012695, OMIM 611561.

Allele frequency attached by ClinVar (database versions not stated): gnomAD 0.00001; TOPMed 0.00001; ExAC 0.00008; 1000 Genomes Project 30x 0.00016; 1000 Genomes Project 0.00020.
gnomAD v4.1: 24 of 1,614,128 alleles (0.0015%); highest among the groups gnomAD compares: East Asian, 0.053%; no homozygotes.

Submissions (7):

Labcorp Genetics (formerly Invitae), Labcorp
Classification: Likely benign for Joubert syndrome; Meckel-Gruber syndrome. Last evaluated: 2026-01-28. Review status: criteria provided, single submitter. Criteria: Invitae Variant Classification Sherloc (09022015). Collection method: clinical testing. Allele origin: germline.

PreventionGenetics, part of Exact Sciences
Classification: Likely benign for RPGRIP1L-related condition. Last evaluated: 2025-02-28. Review status: criteria provided, single submitter. Criteria: ACMG Guidelines, 2015. Collection method: clinical testing. Allele origin: germline.
Comment: This variant is classified as likely benign based on ACMG/AMP sequence variant interpretation guidelines (Richards et al. 2015 PMID: 25741868, with internal and published modifications).

Blueprint Genetics
Classification: Likely benign. Last evaluated: 2024-06-06. Review status: criteria provided, single submitter. Criteria: ACMG Guidelines, 2015. Collection method: clinical testing. Allele origin: germline.

Illumina Laboratory Services, Illumina
Classification: Uncertain significance for Meckel syndrome, type 5. Last evaluated: 2018-01-12. Review status: criteria provided, single submitter. Criteria: ICSL Variant Classification Criteria 13 December 2019. Collection method: clinical testing. Allele origin: germline.

Illumina Laboratory Services, Illumina
Classification: Uncertain significance for Nephronophthisis 8. Last evaluated: 2018-01-12. Review status: criteria provided, single submitter. Criteria: ICSL Variant Classification Criteria 13 December 2019. Collection method: clinical testing. Allele origin: germline.

Illumina Laboratory Services, Illumina
Classification: Uncertain significance for Joubert syndrome 7. Last evaluated: 2018-01-12. Review status: criteria provided, single submitter. Criteria: ICSL Variant Classification Criteria 13 December 2019. Collection method: clinical testing. Allele origin: germline.

Natera, Inc.
Classification: Uncertain significance for Joubert syndrome. Last evaluated: 2019-11-11. Review status: no assertion criteria provided. Collection method: clinical testing. Allele origin: germline. Not counted in ClinVar's aggregate classification.

NM_015272.5(RPGRIP1L):c.303G>A (p.Arg101=)

Gene: RPGRIP1L (RPGRIP1 like; minus strand). Cytogenetic location: 16q12.2.
Variant type: single nucleotide variant.
Coding change: c.303G>A on transcript NM_015272.5 (MANE Select); coding-DNA position 303, G replaced by A.
Protein change: p.Arg101=; no amino-acid change (arginine 101 retained).
Molecular consequence: synonymous variant.
Genome position (GRCh38, 1-based): chr16:53,692,292, C>T on the plus strand (G>A on the coding strand, the complement: RPGRIP1L is on the minus strand). VCF-style: chr16-53692292-C-T. GRCh37 (hg19) VCF-style: chr16-53726204-C-T.
Other names: c.303G>A (NM_015272.4); c.303G>A, p.Arg101= (NM_001127897.4, NM_001308334.3, NM_001330538.2).
Identifiers: ClinVar variation 319666 (VCV000319666.19), dbSNP rs182207372, ClinGen allele CA8058137.